The following is an entry in ClinVar:

ClinVar aggregate classification (germline): Uncertain significance (1 of 4 stars; one submission).

Conditions:
Hypertrophic cardiomyopathy. Also called: HYPERTROPHIC MYOCARDIOPATHY. Identifiers: Orphanet 217569, MedGen C0007194, MeSH D002312, MONDO:0005045, HP:0001639.

Allele frequency attached by ClinVar (database versions not stated): TOPMed below 0.00001.

Submission:

Labcorp Genetics (formerly Invitae), Labcorp
Classification: Uncertain significance for Hypertrophic cardiomyopathy. Last evaluated: 2024-10-28. Review status: criteria provided, single submitter. Criteria: Invitae Variant Classification Sherloc (09022015). Collection method: clinical testing. Allele origin: germline.
Comment: This sequence change replaces histidine, which is basic and polar, with tyrosine, which is neutral and polar, at codon 120 of the MYL3 protein (p.His120Tyr). This variant is not present in population databases (gnomAD no frequency). This variant has not been reported in the literature in individuals affected with MYL3-related conditions. ClinVar contains an entry for this variant (Variation ID: 1004366). An algorithm developed to predict the effect of missense changes on protein structure and function (PolyPhen-2) suggests that this variant is likely to be disruptive. In summary, the available evidence is currently insufficient to determine the role of this variant in disease. Therefore, it has been classified as a Variant of Uncertain Significance.

NM_000258.3(MYL3):c.358C>T (p.His120Tyr)

Gene: MYL3 (myosin light chain 3; minus strand). Cytogenetic location: 3p21.31.
Variant type: single nucleotide variant.
Coding change: c.358C>T on transcript NM_000258.3 (MANE Select); coding-DNA position 358, C replaced by T.
Protein change: p.His120Tyr; replaces histidine 120 with tyrosine.
Molecular consequence: missense variant.
Genome position (GRCh38, 1-based): chr3:46,859,598, G>A on the plus strand (C>T on the coding strand, the complement: MYL3 is on the minus strand). VCF-style: chr3-46859598-G-A. GRCh37 (hg19) VCF-style: chr3-46901088-G-A.
Other names: short protein forms H120Y.
Identifiers: ClinVar variation 1004366 (VCV001004366.5), dbSNP rs1701968794, ClinGen allele CA352496507.